The following is an entry in ClinVar:

NM_015046.7(SETX):c.5616C>T (p.Asn1872=)

Gene: SETX (senataxin; minus strand). Cytogenetic location: 9q34.13.
Variant type: single nucleotide variant.
Coding change: c.5616C>T on transcript NM_015046.7 (MANE Select); coding-DNA position 5616, C replaced by T.
Protein change: p.Asn1872=; no amino-acid change (asparagine 1872 retained).
Molecular consequence: synonymous variant.
Genome position (GRCh38, 1-based): chr9:132,298,245, G>A on the plus strand (C>T on the coding strand, the complement: SETX is on the minus strand). VCF-style: chr9-132298245-G-A. GRCh37 (hg19) VCF-style: chr9-135173632-G-A.
Other names: c.5616C>T, p.Asn1872= (NM_001351527.2, NM_001351528.2).
Identifiers: ClinVar variation 705865 (VCV000705865.10), dbSNP rs201472554, ClinGen allele CA5296932.

ClinVar aggregate classification (germline): Likely benign. Review status: criteria provided, multiple submitters, no conflicts (2 of 4 stars). 2 submissions from 2 submitters: Likely benign (2). Last evaluated 2025-11-17.

Conditions:
Amyotrophic lateral sclerosis type 4 (ALS4). Also called: AMYOTROPHIC LATERAL SCLEROSIS 4, JUVENILE; NEURONOPATHY, DISTAL HEREDITARY MOTOR, WITH PYRAMIDAL FEATURES. Identifiers: Orphanet 357043, MedGen C1865409, MONDO:0011223, OMIM 602433.
Spinocerebellar ataxia, autosomal recessive, with axonal neuropathy 2 (SCAN2). Also called: Ataxia with Oculomotor Apraxia; Ataxia-ocular apraxia-2; Ataxia with Oculomotor Apraxia Type 2; ATAXIA-OCULOMOTOR APRAXIA 2. Identifiers: Orphanet 64753, MedGen C1853761, MONDO:0018996, OMIM 606002.

Allele frequency attached by ClinVar (database versions not stated): ExAC 0.00004; gnomAD exomes 0.00004 and 0.00008; gnomAD 0.00005 and 0.00006; TOPMed 0.00006.
gnomAD v4.1: 127 of 1,613,886 alleles (0.0079%); highest among the groups gnomAD compares: Non-Finnish European, 0.01%; no homozygotes.

Submissions (2):

Labcorp Genetics (formerly Invitae), Labcorp
Classification: Likely benign for Amyotrophic lateral sclerosis type 4; Spinocerebellar ataxia, autosomal recessive, with axonal neuropathy 2. Last evaluated: 2025-11-17. Review status: criteria provided, single submitter. Criteria: Invitae Variant Classification Sherloc (09022015). Collection method: clinical testing. Allele origin: germline.

Athena Diagnostics
Classification: Likely benign. Last evaluated: 2025-04-04. Review status: criteria provided, single submitter. Criteria: Athena Diagnostics Criteria. Collection method: clinical testing. Allele origin: unknown.
Comment: Computational tools yielded predictions that this variant is unlikely to have an effect on normal RNA splicing. This nucleotide position exhibits low evolutionary conservation.